The following is an entry in ClinVar:

ClinVar aggregate classification (germline): Likely pathogenic (1 of 4 stars; one submission).

Conditions:
X-linked agammaglobulinemia with growth hormone deficiency (IGHD3). Also called: FLEISHER SYNDROME; HYPOGAMMAGLOBULINEMIA AND ISOLATED GROWTH HORMONE DEFICIENCY, X-LINKED; IGHD III; AGAMMAGLOBULINEMIA AND ISOLATED GROWTH HORMONE DEFICIENCY, X-LINKED; Isolated growth hormone deficiency type 3; Growth hormone deficiency with hypogammaglobulinemia. Identifiers: Orphanet 231692, Orphanet 631, MedGen C0472813, MONDO:0010615, OMIM 307200.

Submission:

Labcorp Genetics (formerly Invitae), Labcorp
Classification: Likely pathogenic for X-linked agammaglobulinemia with growth hormone deficiency. Last evaluated: 2019-04-18. Review status: criteria provided, single submitter. Criteria: Invitae Variant Classification Sherloc (09022015). Collection method: clinical testing. Allele origin: germline.
Comment: Algorithms developed to predict the effect of missense changes on protein structure and function (SIFT, PolyPhen-2, Align-GVGD) all suggest that this variant is likely to be disruptive, but these predictions have not been confirmed by published functional studies and their clinical significance is uncertain. In summary, the currently available evidence indicates that the variant is pathogenic, but additional data are needed to prove that conclusively. Therefore, this variant has been classified as Likely Pathogenic. This variant disrupts the p.Trp634 amino acid residue in BTK. Other variant(s) that disrupt this residue have been observed in individuals with BTK-related conditions (PMID: 27512878, 25777788), which suggests that this may be a clinically significant amino acid residue. This variant has been observed in an individual affected with X-linked agammaglobulinemia (PMID: 12655572). This variant is not present in population databases (ExAC no frequency). This sequence change replaces tryptophan with serine at codon 634 of the BTK protein (p.Trp634Ser). The tryptophan residue is highly conserved and there is a large physicochemical difference between tryptophan and serine.

Literature cited by the submitters: PubMed 27512878; PubMed 25777788; PubMed 12655572.

NM_000061.3(BTK):c.1901G>C (p.Trp634Ser)

Gene: BTK (Bruton tyrosine kinase; minus strand). Cytogenetic location: Xq22.1.
Variant type: single nucleotide variant.
Coding change: c.1901G>C on transcript NM_000061.3 (MANE Select); coding-DNA position 1901, G replaced by C.
Protein change: p.Trp634Ser; replaces tryptophan 634 with serine.
Molecular consequence: missense variant.
Genome position (GRCh38, 1-based): chrX:101,353,201, C>G on the plus strand (G>C on the coding strand, the complement: BTK is on the minus strand). VCF-style: chrX-101353201-C-G. GRCh37 (hg19) VCF-style: chrX-100608189-C-G.
Other names: c.2003G>C, p.Trp668Ser (NM_001287344.2); c.1373G>C, p.Trp458Ser (NM_001287345.2); short protein forms W634S, W458S, W668S.
Identifiers: ClinVar variation 852828 (VCV000852828.10), dbSNP rs1926352588, ClinGen allele CA413918362.